The following is an entry in ClinVar:

ClinVar aggregate classification (germline): Pathogenic/Likely pathogenic. Review status: criteria provided, multiple submitters, no conflicts (2 of 4 stars). 2 submissions from 2 submitters: Pathogenic (1); Likely pathogenic (1). Last evaluated 2021-09-24.

Submissions (2):

Labcorp Genetics (formerly Invitae), Labcorp
Classification: Likely pathogenic. Last evaluated: 2021-09-24. Review status: criteria provided, single submitter. Criteria: Invitae Variant Classification Sherloc (09022015). Collection method: clinical testing. Allele origin: germline.
Comment: This sequence change replaces cysteine with glycine at codon 379 of the NOTCH3 protein (p.Cys379Gly). The cysteine residue is highly conserved and there is a large physicochemical difference between cysteine and glycine. This variant is not present in population databases (ExAC no frequency). This missense change has been observed in individual(s) with clinical features of cerebral arteriopathy with subcortical infarcts and leukoencephalopathy (PMID: 21616505). It has also been observed to segregate with disease in related individuals. ClinVar contains an entry for this variant (Variation ID: 447776). Advanced modeling of protein sequence and biophysical properties (such as structural, functional, and spatial information, amino acid conservation, physicochemical variation, residue mobility, and thermodynamic stability) performed at Invitae indicates that this missense variant is expected to disrupt NOTCH3 protein function. In summary, the currently available evidence indicates that the variant is pathogenic, but additional data are needed to prove that conclusively. Therefore, this variant has been classified as Likely Pathogenic.

Athena Diagnostics
Classification: Pathogenic. Last evaluated: 2017-03-17. Review status: criteria provided, single submitter. Criteria: Athena Diagnostics Criteria. Collection method: clinical testing. Allele origin: germline.

Literature cited by the submitters: PubMed 21616505 (cited by Labcorp Genetics (formerly Invitae), Labcorp and Athena Diagnostics).

NM_000435.3(NOTCH3):c.1135T>G (p.Cys379Gly)

Gene: NOTCH3 (notch receptor 3; minus strand). Cytogenetic location: 19p13.12.
Variant type: single nucleotide variant.
Coding change: c.1135T>G on transcript NM_000435.3 (MANE Select); coding-DNA position 1135, T replaced by G.
Protein change: p.Cys379Gly; replaces cysteine 379 with glycine.
Molecular consequence: missense variant.
Genome position (GRCh38, 1-based): chr19:15,189,330, A>C on the plus strand (T>G on the coding strand, the complement: NOTCH3 is on the minus strand). VCF-style: chr19-15189330-A-C. GRCh37 (hg19) VCF-style: chr19-15300141-A-C.
Other names: short protein forms C379G.
Identifiers: ClinVar variation 447776 (VCV000447776.6), dbSNP rs1555729105, ClinGen allele CA404529182.